The following is an entry in ClinVar:

NM_033109.5(PNPT1):c.688G>C (p.Glu230Gln)

Gene: PNPT1 (polyribonucleotide nucleotidyltransferase 1; minus strand). Cytogenetic location: 2p16.1.
Variant type: single nucleotide variant.
Coding change: c.688G>C on transcript NM_033109.5 (MANE Select); coding-DNA position 688, G replaced by C.
Protein change: p.Glu230Gln; replaces glutamic acid 230 with glutamine.
Molecular consequence: missense variant.
Genome position (GRCh38, 1-based): chr2:55,673,071, C>G on the plus strand (G>C on the coding strand, the complement: PNPT1 is on the minus strand). VCF-style: chr2-55673071-C-G. GRCh37 (hg19) VCF-style: chr2-55900206-C-G.
Other names: short protein forms E230Q.
Identifiers: ClinVar variation 215008 (VCV000215008.23), dbSNP rs34928857, ClinGen allele CA323779.

ClinVar aggregate classification (germline): Conflicting classifications of pathogenicity. Review status: criteria provided, conflicting classifications (1 of 4 stars). 5 submissions from 5 submitters: Uncertain significance (3); Likely benign (1). 1 of the submissions does not count toward it. Last evaluated 2026-01-28.

Conditions:
PNPT1-related disorder. Also called: PNPT1-related disorders; PNPT1-related condition.
Combined oxidative phosphorylation defect type 13. Also called: Combined oxidative phosphorylation deficiency 13. Identifiers: Orphanet 319514, MedGen C4706283, MONDO:0013977, OMIM 614932.
Autosomal recessive nonsyndromic hearing loss 70. Also called: Deafness, autosomal recessive 70. Identifiers: Orphanet 90636, MedGen C1824925, MONDO:0013978, OMIM 614934.

Allele frequency attached by ClinVar (database versions not stated): gnomAD exomes 0.00012 and 0.00045; ExAC 0.00048; gnomAD 0.00131; TOPMed 0.00172; 1000 Genomes Project 0.00180; ESP Exome Variant Server 0.00185; 1000 Genomes Project 30x 0.00234.

Submissions (5):

Labcorp Genetics (formerly Invitae), Labcorp
Classification: Likely benign. Last evaluated: 2026-01-28. Review status: criteria provided, single submitter. Criteria: Invitae Variant Classification Sherloc (09022015). Collection method: clinical testing. Allele origin: germline.

GeneDx
Classification: Uncertain significance. Last evaluated: 2025-10-09. Review status: criteria provided, single submitter. Criteria: GeneDx Variant Classification Process June 2021. Collection method: clinical testing. Allele origin: germline. Affected: yes.
Comment: Observed with a second PNPT1 variant on the opposite allele (in trans) in a patient with arm and leg weakness, developmental delay, scoliosis, epilepsy, and sensory axonal polyneuropathy (PMID: 35303589); In silico analysis supports that this missense variant has a deleterious effect on protein structure/function; This variant is associated with the following publications: (PMID: 35303589)

Fulgent Genetics
Classification: Uncertain significance for Combined oxidative phosphorylation defect type 13; Autosomal recessive nonsyndromic hearing loss 70. Last evaluated: 2018-10-31. Review status: criteria provided, single submitter. Criteria: ACMG Guidelines, 2015. Collection method: clinical testing. Allele origin: unknown.

Baylor Genetics
Classification: Uncertain significance for Combined oxidative phosphorylation defect type 13. Last evaluated: 2018-03-25. Review status: criteria provided, single submitter. Criteria: ACMG Guidelines, 2015. Collection method: clinical testing. Allele origin: unknown. Affected: yes.
Comment: This variant was determined to be of uncertain significance according to ACMG Guidelines, 2015 [PMID:25741868].

PreventionGenetics, part of Exact Sciences
Classification: Likely benign for PNPT1-related condition. Last evaluated: 2020-12-14. Review status: no assertion criteria provided. Collection method: clinical testing. Allele origin: germline. Not counted in ClinVar's aggregate classification.
Comment: This variant is classified as likely benign based on ACMG/AMP sequence variant interpretation guidelines (Richards et al. 2015 PMID: 25741868, with internal and published modifications).